The following is an entry in ClinVar:

ClinVar aggregate classification (germline): Benign/Likely benign. Review status: criteria provided, multiple submitters, no conflicts (2 of 4 stars). 9 submissions from 9 submitters: Benign (5); Likely benign (3). 1 of the submissions does not count toward it. Last evaluated 2026-04-14.

Conditions:
Familial intrahepatic cholestasis. Identifiers: Orphanet 284385, MedGen CN296401, MONDO:0017290.
Progressive familial intrahepatic cholestasis type 2. Identifiers: Orphanet 79304, MedGen C3489789, MONDO:0011156, OMIM 601847.

Allele frequency attached by ClinVar (database versions not stated): gnomAD exomes 0.01962 and 0.02364; ExAC 0.02967; 1000 Genomes Project 0.05711; gnomAD 0.05838 and 0.06201; 1000 Genomes Project 30x 0.06184; TOPMed 0.06433; ESP Exome Variant Server 0.06498.
gnomAD v4.1: 37,834 of 1,611,012 alleles (2.3%); highest among the groups gnomAD compares: African/African-American, 17%; 1,425 homozygotes.

Submissions (9):

Genomenon, Inc
Classification: Benign for Familial intrahepatic cholestasis. Last evaluated: 2026-04-14. Review status: criteria provided, single submitter. Criteria: Genomenon Sequence Variant Interpretation Standards - Updated. Collection method: curation. Allele origin: germline. Affected: no.
Comment: ABCB11 p.Met677Val (c.2029A>G) is a missense variant that changes the amino acid at residue 677 from Methionine to Valine. In silico models predict that this variant is not damaging. This variant is present at high allele frequency in population databases. In conclusion, we classify ABCB11 p.Met677Val (c.2029A>G) as a benign variant.

Labcorp Genetics (formerly Invitae), Labcorp
Classification: Benign. Last evaluated: 2026-02-04. Review status: criteria provided, single submitter. Criteria: Invitae Variant Classification Sherloc (09022015). Collection method: clinical testing. Allele origin: germline.

Mayo Clinic Laboratories, Mayo Clinic
Classification: Likely benign. Last evaluated: 2025-11-20. Review status: criteria provided, single submitter. Criteria: ACMG Guidelines, 2015. Collection method: clinical testing. Allele origin: germline. Observed: 59 variant alleles.
Comment: BA1, BP4

Women's Health and Genetics/Laboratory Corporation of America, LabCorp
Classification: Likely benign. Last evaluated: 2021-12-10. Review status: criteria provided, single submitter. Criteria: LabCorp Variant Classification Summary - May 2015. Collection method: clinical testing. Allele origin: germline.

Illumina Laboratory Services, Illumina
Classification: Benign for Progressive familial intrahepatic cholestasis type 2. Last evaluated: 2018-01-13. Review status: criteria provided, single submitter. Criteria: ICSL Variant Classification Criteria 13 December 2019. Collection method: clinical testing. Allele origin: germline.
Comment: This variant was observed in the ICSL laboratory as part of a predisposition screen in an ostensibly healthy population. It had not been previously curated by ICSL or reported in the Human Gene Mutation Database (HGMD: prior to June 1st, 2018), and was therefore a candidate for classification through an automated scoring system. Utilizing variant allele frequency, disease prevalence and penetrance estimates, and inheritance mode, an automated score was calculated to assess if this variant is too frequent to cause the disease. Based on the score and internal cut-off values, a variant classified as benign is not then subjected to further curation. The score for this variant resulted in a classification of benign for this disease.

GeneDx
Classification: Benign. Last evaluated: 2016-02-09. Review status: criteria provided, single submitter. Criteria: GeneDx Variant Classification (06012015). Collection method: clinical testing. Allele origin: germline. Affected: yes.
Comment: This variant is considered likely benign or benign based on one or more of the following criteria: it is a conservative change, it occurs at a poorly conserved position in the protein, it is predicted to be benign by multiple in silico algorithms, and/or has population frequency not consistent with disease.

Breakthrough Genomics
Classification: Likely benign. Review status: criteria provided, single submitter. Criteria: ACMG Guidelines, 2015. Collection method: not provided. Allele origin: germline. Inheritance: Autosomal recessive inheritance. Affected: yes.

PreventionGenetics, part of Exact Sciences
Classification: Benign. Review status: criteria provided, single submitter. Criteria: ACMG Guidelines, 2015. Collection method: clinical testing. Allele origin: germline.

Natera, Inc.
Classification: Benign for Progressive familial intrahepatic cholestasis type 2. Last evaluated: 2020-09-16. Review status: no assertion criteria provided. Collection method: clinical testing. Allele origin: germline. Not counted in ClinVar's aggregate classification.

Literature cited by the submitters: PubMed 37208429 (cited by Mayo Clinic Laboratories, Mayo Clinic).

NM_003742.4(ABCB11):c.2029A>G (p.Met677Val)

Gene: ABCB11 (ATP binding cassette subfamily B member 11; minus strand). Cytogenetic location: 2q31.1.
Variant type: single nucleotide variant.
Coding change: c.2029A>G on transcript NM_003742.4 (MANE Select); coding-DNA position 2029, A replaced by G.
Protein change: p.Met677Val; replaces methionine 677 with valine.
Molecular consequence: missense variant.
Genome position (GRCh38, 1-based): chr2:168,968,473, T>C on the plus strand (A>G on the coding strand, the complement: ABCB11 is on the minus strand). VCF-style: chr2-168968473-T-C. GRCh37 (hg19) VCF-style: chr2-169824983-T-C.
Other names: c.2029A>G, p.Met677Val (LRG_1199t1); short protein forms M677V.
Identifiers: ClinVar variation 259145 (VCV000259145.18), dbSNP rs11568364, ClinGen allele CA1951390.